The following is an entry in ClinVar:

NM_000059.4(BRCA2):c.602C>G (p.Pro201Arg)

Gene: BRCA2 (BRCA2 DNA repair associated; plus strand). Cytogenetic location: 13q13.1.
Variant type: single nucleotide variant.
Coding change: c.602C>G on transcript NM_000059.4 (MANE Select); coding-DNA position 602, C replaced by G.
Protein change: p.Pro201Arg; replaces proline 201 with arginine.
Molecular consequence: missense variant.
Genome position (GRCh38, 1-based): chr13:32,326,584, C>G. VCF-style: chr13-32326584-C-G. GRCh37 (hg19) VCF-style: chr13-32900721-C-G.
Other names: short protein forms P201R.
Identifiers: ClinVar variation 51992 (VCV000051992.3), dbSNP rs397507822, ClinGen allele CA023547.

ClinVar aggregate classification (germline): Uncertain significance. Review status: criteria provided, single submitter (1 of 4 stars). 2 submissions from 2 submitters: Uncertain significance (1). 1 of the submissions does not count toward it. Last evaluated 2026-04-03.

Conditions:
Familial cancer of breast. Also called: BREAST CANCER, FAMILIAL; hereditary breast carcinoma; Hereditary breast cancer. Identifiers: Orphanet 227535, MedGen C0346153, MONDO:0016419, OMIM 114480. Disease mechanism: loss of function.

Submissions (2):

Women's Health and Genetics/Laboratory Corporation of America, LabCorp
Classification: Uncertain significance. Last evaluated: 2026-04-03. Review status: criteria provided, single submitter. Criteria: LabCorp Variant Classification Summary - May 2015. Collection method: clinical testing. Allele origin: germline.
Comment: Variant summary: BRCA2 c.602C>G (p.Pro201Arg) results in a non-conservative amino acid change in the encoded protein sequence. Algorithms developed to predict the effect of missense changes on protein structure and function are either unavailable or do not agree on the potential impact of this missense change. The variant was absent in 251382 control chromosomes (gnomAD). The available data on variant occurrences in the general population are insufficient to allow any conclusion about variant significance. c.602C>G has been observed in a family affected with breast cancer without cosegregation information (Katagiri_1998). This report does not provide unequivocal conclusions about association of the variant with Hereditary Breast And Ovarian Cancer Syndrome. At least one publication reports experimental evidence evaluating an impact on protein function. These results showed no damaging effect of this variant (Guo_2023). The following publications have been ascertained in the context of this evaluation (PMID: 9609997, 37731132). ClinVar contains an entry for this variant (Variation ID: 51992). Based on the evidence outlined above, the variant was classified as uncertain significance.

ClinVar Staff, National Center for Biotechnology Information (NCBI)
No classification provided. Condition: Familial cancer of breast. Review status: no classification provided. Collection method: literature only. Allele origin: germline. Affected: yes. Not counted in ClinVar's aggregate classification.

Literature cited by the submitters: PubMed 9609997 (cited by Women's Health and Genetics/Laboratory Corporation of America, LabCorp and ClinVar Staff, National Center for Biotechnology Information (NCBI)); PubMed 37731132 (cited by Women's Health and Genetics/Laboratory Corporation of America, LabCorp).